The following is an entry in ClinVar:

NM_001211.6(BUB1B):c.791A>C (p.Gln264Pro)

Gene: BUB1B (BUB1 mitotic checkpoint serine/threonine kinase B; plus strand). Cytogenetic location: 15q15.1.
Variant type: single nucleotide variant.
Coding change: c.791A>C on transcript NM_001211.6 (MANE Select); coding-DNA position 791, A replaced by C.
Protein change: p.Gln264Pro; replaces glutamine 264 with proline.
Molecular consequence: missense variant.
Genome position (GRCh38, 1-based): chr15:40,185,204, A>C. VCF-style: chr15-40185204-A-C. GRCh37 (hg19) VCF-style: chr15-40477405-A-C.
Other names: short protein forms Q264P.
Identifiers: ClinVar variation 3640668 (VCV003640668.2).
Genomic context (GRCh38, chr15:40,185,204, plus strand): 5'-TTTTAATATTTTTGCTCCTAGCTCCAAGCCAGAACAGAGGACTCCAAAATCCATTTCCTC[A>C]ACAGATGCAAAATAATAGTAGAATTACTGTTTTTGATGAAAATGCTGATGAGGCTTCTAC-3'
Protein context (NP_001202.5, residues 254-274): QNRGLQNPFP[Gln264Pro]QMQNNSRITV

ClinVar aggregate classification (germline): Uncertain significance (1 of 4 stars; one submission).

Conditions:
Mosaic variegated aneuploidy syndrome 1 (MVA1). Also called: Warburton-Anyane-Yeboa syndrome. Identifiers: Orphanet 1052, MedGen C1850343, MONDO:0009759, OMIM 257300.

Submission:

Labcorp Genetics (formerly Invitae), Labcorp
Classification: Uncertain significance for Mosaic variegated aneuploidy syndrome 1. Last evaluated: 2024-03-26. Review status: criteria provided, single submitter. Criteria: Invitae Variant Classification Sherloc (09022015). Collection method: clinical testing. Allele origin: germline.
Comment: This sequence change replaces glutamine, which is neutral and polar, with proline, which is neutral and non-polar, at codon 264 of the BUB1B protein (p.Gln264Pro). This variant is not present in population databases (gnomAD no frequency). This variant has not been reported in the literature in individuals affected with BUB1B-related conditions. An algorithm developed to predict the effect of missense changes on protein structure and function (PolyPhen-2) suggests that this variant is likely to be tolerated. In summary, the available evidence is currently insufficient to determine the role of this variant in disease. Therefore, it has been classified as a Variant of Uncertain Significance.